The following is an entry in ClinVar:

NM_014840.3(NUAK1):c.1784G>T (p.Arg595Leu)

Gene: NUAK1 (NUAK family kinase 1; minus strand). Cytogenetic location: 12q23.3.
Variant type: single nucleotide variant.
Coding change: c.1784G>T on transcript NM_014840.3 (MANE Select); coding-DNA position 1784, G replaced by T.
Protein change: p.Arg595Leu; replaces arginine 595 with leucine.
Molecular consequence: missense variant.
Genome position (GRCh38, 1-based): chr12:106,067,004, C>A on the plus strand (G>T on the coding strand, the complement: NUAK1 is on the minus strand). VCF-style: chr12-106067004-C-A. GRCh37 (hg19) VCF-style: chr12-106460782-C-A.
Other names: short protein forms R595L.
Identifiers: ClinVar variation 3035600 (VCV003035600.2), dbSNP rs141618950, ClinGen allele CA6760216.
Genomic context (GRCh38, chr12:106,067,004, plus strand): 5'-CCCTCAAAGTCCTGGATCTGGAGGAAGTTTTCTGCAGAGACGCAGCTGCGGATGCGCTGG[C>A]GGGCAGGGCGATTCTCCTGCAAATCCAGCAAGTCAAAAGAGTCGCTGGACAGCACGCTGT-3'
Protein context (NP_055655.1, residues 585-605): LLDLQENRPA[Arg595Leu]QRIRSCVSAE

ClinVar aggregate classification (germline): Likely benign (0 of 4 stars; one submission).

Conditions:
NUAK1-related disorder. Also called: NUAK1-related condition.

Allele frequency attached by ClinVar (database versions not stated): 1000 Genomes Project 0.00080; 1000 Genomes Project 30x 0.00094; ESP Exome Variant Server 0.00115.
gnomAD v4.1: 2,755 of 1,614,218 alleles (0.17%); highest among the groups gnomAD compares: Non-Finnish European, 0.22%; 5 homozygotes.

Submission:

PreventionGenetics, part of Exact Sciences
Classification: Likely benign for NUAK1-related condition. Last evaluated: 2023-02-20. Review status: no assertion criteria provided. Collection method: clinical testing. Allele origin: germline.
Comment: This variant is classified as likely benign based on ACMG/AMP sequence variant interpretation guidelines (Richards et al. 2015 PMID: 25741868, with internal and published modifications).